The following is an entry in ClinVar:

NM_014159.7(SETD2):c.1087C>T (p.Leu363=)

Gene: SETD2 (SET domain containing 2, histone lysine methyltransferase; minus strand). Cytogenetic location: 3p21.31.
Variant type: single nucleotide variant.
Coding change: c.1087C>T on transcript NM_014159.7 (MANE Select); coding-DNA position 1087, C replaced by T.
Protein change: p.Leu363=; no amino-acid change (leucine 363 retained).
Molecular consequence: synonymous variant. On other transcripts: non-coding transcript variant (1).
Genome position (GRCh38, 1-based): chr3:47,123,549, G>A on the plus strand (C>T on the coding strand, the complement: SETD2 is on the minus strand). VCF-style: chr3-47123549-G-A. GRCh37 (hg19) VCF-style: chr3-47165039-G-A.
Other names: c.955C>T, p.Leu319= (NM_001349370.3).
Identifiers: ClinVar variation 3772198 (VCV003772198.13).
Genomic context (GRCh38, chr3:47,123,549, plus strand): 5'-GTTTTGAATAGCTAAAATATTTATCATCTCTGTCTGTTTTAGATCGTGAAGGTTTCCCTA[G>A]ATCCTCACTTTTTAAAGGTGCTGAGCTCTTTTTAAAATCTCTTTCCTTTTCAATGCTTGC-3'
Protein context (NP_054878.5, residues 353-373): KSSAPLKSED[Leu363=]GKPSRSKTDR

ClinVar aggregate classification (germline): Likely benign (1 of 4 stars; one submission).

gnomAD v4.1: 2 of 1,550,438 alleles (0.00013%); highest among the groups gnomAD compares: South Asian, 0.0024%; no homozygotes.

Submission:

CeGaT Center for Human Genetics Tuebingen
Classification: Likely benign. Last evaluated: 2025-01-01. Review status: criteria provided, single submitter. Criteria: CeGaT Center For Human Genetics Tuebingen Variant Classification Criteria Version 2. Collection method: clinical testing. Allele origin: germline. Affected: yes. Observed: 1 variant allele.
Comment: SETD2: BP4, BP7